The following is an entry in ClinVar:

ClinVar aggregate classification (germline): Uncertain significance (1 of 4 stars; one submission).

Conditions:
Retinitis pigmentosa 73 (RP73). Identifiers: Orphanet 791, MedGen C4225287, MONDO:0014687, OMIM 616544.
Mucopolysaccharidosis, MPS-III-C (MPS3C). Also called: MPS IIIC (Sanfilippo Syndrome Type C); MUCOPOLYSACCHARIDOSIS, TYPE IIIC; Mucopolysaccharidosis type IIIC (Sanfilippo C); SANFILIPPO SYNDROME C; MPS III C; mucopolysaccharidosis type 3C. Identifiers: Orphanet 581, Orphanet 79271, MedGen C0086649, MONDO:0009657, OMIM 252930.

Allele frequency attached by ClinVar (database versions not stated): gnomAD exomes below 0.00001.

Submission:

Labcorp Genetics (formerly Invitae), Labcorp
Classification: Uncertain significance for Retinitis pigmentosa 73; Mucopolysaccharidosis, MPS-III-C. Last evaluated: 2023-12-22. Review status: criteria provided, single submitter. Criteria: Invitae Variant Classification Sherloc (09022015). Collection method: clinical testing. Allele origin: germline.
Comment: This sequence change replaces phenylalanine, which is neutral and non-polar, with leucine, which is neutral and non-polar, at codon 129 of the HGSNAT protein (p.Phe129Leu). This variant is not present in population databases (gnomAD no frequency). This variant has not been reported in the literature in individuals affected with HGSNAT-related conditions. ClinVar contains an entry for this variant (Variation ID: 1385340). Advanced modeling of protein sequence and biophysical properties (such as structural, functional, and spatial information, amino acid conservation, physicochemical variation, residue mobility, and thermodynamic stability) has been performed at Invitae for this missense variant, however the output from this modeling did not meet the statistical confidence thresholds required to predict the impact of this variant on HGSNAT protein function. In summary, the available evidence is currently insufficient to determine the role of this variant in disease. Therefore, it has been classified as a Variant of Uncertain Significance.

NM_152419.3(HGSNAT):c.387T>A (p.Phe129Leu)

Gene: HGSNAT (heparan-alpha-glucosaminide N-acetyltransferase; plus strand). Cytogenetic location: 8p11.21.
Variant type: single nucleotide variant.
Coding change: c.387T>A on transcript NM_152419.3 (MANE Select); coding-DNA position 387, T replaced by A.
Protein change: p.Phe129Leu; replaces phenylalanine 129 with leucine.
Molecular consequence: missense variant. On other transcripts: 5 prime UTR variant (1).
Genome position (GRCh38, 1-based): chr8:43,158,938, T>A. VCF-style: chr8-43158938-T-A. GRCh37 (hg19) VCF-style: chr8-43014081-T-A.
Other names: c.387T>A, p.Phe129Leu (NM_001363227.2, NM_001363228.2); c.-447T>A (NM_001363229.2); short protein forms F129L.
Identifiers: ClinVar variation 1385340 (VCV001385340.4), dbSNP rs932582298, ClinGen allele CA176113270.